The following is an entry in ClinVar:

ClinVar aggregate classification (germline): Uncertain significance (1 of 4 stars; one submission).

Conditions:
Primary ciliary dyskinesia. Also called: Ciliary dyskinesia. Identifiers: Orphanet 244, MedGen C0008780, MONDO:0016575, HP:0012265.

Submission:

Labcorp Genetics (formerly Invitae), Labcorp
Classification: Uncertain significance for Primary ciliary dyskinesia. Last evaluated: 2023-11-19. Review status: criteria provided, single submitter. Criteria: Invitae Variant Classification Sherloc (09022015). Collection method: clinical testing. Allele origin: germline.
Comment: This sequence change replaces glutamic acid, which is acidic and polar, with aspartic acid, which is acidic and polar, at codon 478 of the DRC1 protein (p.Glu478Asp). This variant is not present in population databases (gnomAD no frequency). This variant has not been reported in the literature in individuals affected with DRC1-related conditions. An algorithm developed to predict the effect of missense changes on protein structure and function (PolyPhen-2) suggests that this variant is likely to be tolerated. In summary, the available evidence is currently insufficient to determine the role of this variant in disease. Therefore, it has been classified as a Variant of Uncertain Significance.

NM_145038.5(DRC1):c.1434G>T (p.Glu478Asp)

Gene: DRC1 (dynein regulatory complex subunit 1; plus strand). Cytogenetic location: 2p23.3.
Variant type: single nucleotide variant.
Coding change: c.1434G>T on transcript NM_145038.5 (MANE Select); coding-DNA position 1434, G replaced by T.
Protein change: p.Glu478Asp; replaces glutamic acid 478 with aspartic acid.
Molecular consequence: missense variant.
Genome position (GRCh38, 1-based): chr2:26,448,728, G>T. VCF-style: chr2-26448728-G-T. GRCh37 (hg19) VCF-style: chr2-26671596-G-T.
Other names: short protein forms E478D.
Identifiers: ClinVar variation 2695232 (VCV002695232.3), dbSNP rs759743934, ClinGen allele CA346113326.